The following is an entry in ClinVar:

NM_018706.7(DHTKD1):c.2014G>A (p.Ala672Thr)

Gene: DHTKD1 (dehydrogenase E1 and transketolase domain containing 1; plus strand). Cytogenetic location: 10p14.
Variant type: single nucleotide variant.
Coding change: c.2014G>A on transcript NM_018706.7 (MANE Select); coding-DNA position 2014, G replaced by A.
Protein change: p.Ala672Thr; replaces alanine 672 with threonine.
Molecular consequence: missense variant.
Genome position (GRCh38, 1-based): chr10:12,106,363, G>A. VCF-style: chr10-12106363-G-A. GRCh37 (hg19) VCF-style: chr10-12148362-G-A.
Other names: short protein forms A672T.
Identifiers: ClinVar variation 1368383 (VCV001368383.8), dbSNP rs2131619684, ClinGen allele CA376011637.
Genomic context (GRCh38, chr10:12,106,363, plus strand): 5'-ATTGAGAGCCCAAAGTTACTGCCCCTGTGGGAGGCACAGTTTGGCGATTTCTTCAATGGT[G>A]CCCAGATCATCTTTGACACATTCATCTCTGGAGGTTGGTGTCAGCGTATAGGGTGGGTAC-3'
Protein context (NP_061176.4, residues 662-682): EAQFGDFFNG[Ala672Thr]QIIFDTFISG

ClinVar aggregate classification (germline): Uncertain significance (1 of 4 stars; one submission).

Conditions:
2-aminoadipic 2-oxoadipic aciduria (AAKAD). Also called: Aminoadipic aciduria; ALPHA-AMINOADIPIC AND ALPHA-KETOADIPIC ACIDURIA. Identifiers: Orphanet 79154, MedGen C1859817, MONDO:0008774, OMIM 204750.

Submission:

Labcorp Genetics (formerly Invitae), Labcorp
Classification: Uncertain significance for 2-aminoadipic 2-oxoadipic aciduria. Last evaluated: 2023-08-04. Review status: criteria provided, single submitter. Criteria: Invitae Variant Classification Sherloc (09022015). Collection method: clinical testing. Allele origin: germline.
Comment: This variant has not been reported in the literature in individuals affected with DHTKD1-related conditions. This sequence change replaces alanine, which is neutral and non-polar, with threonine, which is neutral and polar, at codon 672 of the DHTKD1 protein (p.Ala672Thr). This variant is not present in population databases (gnomAD no frequency). ClinVar contains an entry for this variant (Variation ID: 1368383). Advanced modeling of protein sequence and biophysical properties (such as structural, functional, and spatial information, amino acid conservation, physicochemical variation, residue mobility, and thermodynamic stability) performed at Invitae indicates that this missense variant is expected to disrupt DHTKD1 protein function. In summary, the available evidence is currently insufficient to determine the role of this variant in disease. Therefore, it has been classified as a Variant of Uncertain Significance.